The following is an entry in ClinVar:

NM_024757.5(EHMT1):c.3482C>G (p.Ser1161Ter)

Gene: EHMT1 (euchromatic histone lysine methyltransferase 1; plus strand). Cytogenetic location: 9q34.3.
Variant type: single nucleotide variant.
Coding change: c.3482C>G on transcript NM_024757.5 (MANE Select); coding-DNA position 3482, C replaced by G.
Protein change: p.Ser1161Ter; replaces serine 1161 with a stop codon.
Molecular consequence: nonsense.
Genome position (GRCh38, 1-based): chr9:137,818,080, C>G. VCF-style: chr9-137818080-C-G. GRCh37 (hg19) VCF-style: chr9-140712532-C-G.
Other names: c.3461C>G, p.Ser1154Ter (NM_001354263.2); short protein forms S1161*, S1154*.
Identifiers: ClinVar variation 1391038 (VCV001391038.6), dbSNP rs2132809199, ClinGen allele CA375773405.

ClinVar aggregate classification (germline): Pathogenic (1 of 4 stars; one submission).

Conditions:
Kleefstra syndrome 1 (KLEFS1). Identifiers: Orphanet 261494, MedGen C0795833, MONDO:0027407, OMIM 610253.

Submission:

Labcorp Genetics (formerly Invitae), Labcorp
Classification: Pathogenic for Kleefstra syndrome 1. Last evaluated: 2021-07-30. Review status: criteria provided, single submitter. Criteria: Invitae Variant Classification Sherloc (09022015). Collection method: clinical testing. Allele origin: germline.
Comment: This variant has not been reported in the literature in individuals affected with EHMT1-related conditions. For these reasons, this variant has been classified as Pathogenic. This variant is not present in population databases (ExAC no frequency). This sequence change creates a premature translational stop signal (p.Ser1161*) in the EHMT1 gene. It is expected to result in an absent or disrupted protein product. Loss-of-function variants in EHMT1 are known to be pathogenic (PMID: 16826528, 19264732).

Literature cited by the submitters: PubMed 16826528; PubMed 19264732.